The following is an entry in ClinVar:

ClinVar aggregate classification (germline): Pathogenic/Likely pathogenic. Review status: criteria provided, multiple submitters, no conflicts (2 of 4 stars). 6 submissions from 6 submitters: Pathogenic (3); Likely pathogenic (3). Last evaluated 2025-03-02.

Conditions:
Tuberous sclerosis 1 (TSC1). Identifiers: Orphanet 805, MedGen C1854465, MONDO:0008612, OMIM 191100.
Tuberous sclerosis syndrome (TSC). Also called: Tuberous sclerosis; Tuberous Sclerosis Complex. Identifiers: Orphanet 805, MedGen C0041341, MONDO:0001734.
TSC1-related disorder. Also called: TSC1-related condition.
Hereditary cancer-predisposing syndrome. Also called: Neoplastic Syndromes, Hereditary; Tumor predisposition; Hereditary Cancer Syndrome; Hereditary neoplastic syndrome. Identifiers: Orphanet 140162, MedGen C0027672, MeSH D009386, MONDO:0015356.

Submissions (6):

Labcorp Genetics (formerly Invitae), Labcorp
Classification: Pathogenic for Tuberous sclerosis 1. Last evaluated: 2025-03-02. Review status: criteria provided, single submitter. Criteria: Invitae Variant Classification Sherloc (09022015). Collection method: clinical testing. Allele origin: germline.
Comment: This sequence change creates a premature translational stop signal (p.Gln940*) in the TSC1 gene. It is expected to result in an absent or disrupted protein product. Loss-of-function variants in TSC1 are known to be pathogenic (PMID: 10227394, 17304050). This variant is not present in population databases (gnomAD no frequency). This premature translational stop signal has been observed in individual(s) with tuberous sclerosis complex (PMID: 32461669). ClinVar contains an entry for this variant (Variation ID: 821847). For these reasons, this variant has been classified as Pathogenic.

Ambry Genetics
Classification: Pathogenic for Hereditary cancer-predisposing syndrome. Last evaluated: 2023-01-06. Review status: criteria provided, single submitter. Criteria: Ambry Variant Classification Scheme 2023. Collection method: clinical testing. Allele origin: germline.
Comment: The p.Q940* pathogenic mutation (also known as c.2818C>T), located in coding exon 20 of the TSC1 gene, results from a C to T substitution at nucleotide position 2818. This alteration has been observed in at least one individual with a personal and/or family history that is consistent with TSC1-related disease (Og&oacute;rek B et al. Genet Med 2020 Sep;22(9):1489-1497). This changes the amino acid from a glutamine to a stop codon within coding exon 20. This alteration is expected to result in loss of function by premature protein truncation or nonsense-mediated mRNA decay. As such, this alteration is interpreted as a disease-causing mutation.

Women's Health and Genetics/Laboratory Corporation of America, LabCorp
Classification: Likely pathogenic for Tuberous sclerosis syndrome. Last evaluated: 2022-10-10. Review status: criteria provided, single submitter. Criteria: LabCorp Variant Classification Summary - May 2015. Collection method: clinical testing. Allele origin: germline.
Comment: Variant summary: TSC1 c.2818C>T (p.Gln940X) results in a premature termination codon, predicted to cause a truncation of the encoded protein or absence of the protein due to nonsense mediated decay, which are commonly known mechanisms for disease. The variant was absent in 251452 control chromosomes. c.2818C>T has been reported in the literature in individuals affected with Tuberous Sclerosis Complex (Ogrek_2020). To our knowledge, no experimental evidence demonstrating an impact on protein function has been reported. Four clinical diagnostic laboratories have submitted clinical-significance assessments for this variant to ClinVar after 2014 without evidence for independent evaluation. All laboratories classified the variant as pathogenic (n=3) and likely pathogenic (n=1). Based on the evidence outlined above, the variant was classified as likely pathogenic.

Genome-Nilou Lab
Classification: Pathogenic for Tuberous sclerosis 1. Last evaluated: 2021-11-07. Review status: criteria provided, single submitter. Criteria: ACMG Guidelines, 2015. Collection method: clinical testing. Allele origin: germline. Affected: no.

Blueprint Genetics
Classification: Likely pathogenic for TSC1-related disorders. Last evaluated: 2021-06-02. Review status: criteria provided, single submitter. Criteria: ACMG Guidelines, 2015. Collection method: clinical testing. Allele origin: germline. Affected: yes. Observed: 1 variant allele.

Division of Medical Genetics, University of Washington
Classification: Likely pathogenic for Tuberous sclerosis 1. Last evaluated: 2019-08-01. Review status: criteria provided, single submitter. Criteria: ACMG Guidelines, 2015. Collection method: clinical testing. Allele origin: germline. Study: CSER_CHARM.
Comment: This variant creates a premature termination codon. The variant transcript is predicted to be unstable and degraded by nonsense-mediated decay. Loss of expression of one allele of TSC1 is an established mechanism of disease for TSC (Young 1998, Sancak 2005, Au 2007). To our knowledge, this variant has not been previously reported in the literature. This variant is not present in population databases. Thus, this variant is interpreted as likely pathogenic.

Literature cited by the submitters: PubMed 10227394 (cited by Labcorp Genetics (formerly Invitae), Labcorp); PubMed 17304050 (cited by Labcorp Genetics (formerly Invitae), Labcorp); PubMed 32461669 (cited by 3 submitters).

NM_000368.5(TSC1):c.2818C>T (p.Gln940Ter)

Gene: TSC1 (TSC complex subunit 1; minus strand). Cytogenetic location: 9q34.13.
Variant type: single nucleotide variant.
Coding change: c.2818C>T on transcript NM_000368.5 (MANE Select); coding-DNA position 2818, C replaced by T.
Protein change: p.Gln940Ter; replaces glutamine 940 with a stop codon.
Molecular consequence: nonsense.
Genome position (GRCh38, 1-based): chr9:132,897,341, G>A on the plus strand (C>T on the coding strand, the complement: TSC1 is on the minus strand). VCF-style: chr9-132897341-G-A. GRCh37 (hg19) VCF-style: chr9-135772728-G-A.
Other names: c.2815C>T, p.Gln939Ter (NM_001162426.2); c.2665C>T, p.Gln889Ter (NM_001162427.2); c.2455C>T, p.Gln819Ter (NM_001362177.2); short protein forms Q939*, Q889*, Q940*, Q819*.
Identifiers: ClinVar variation 821847 (VCV000821847.15), dbSNP rs1588290078, ClinGen allele CA375368943.